The following is an entry in ClinVar:

ClinVar aggregate classification (germline): Uncertain significance (1 of 4 stars; one submission).

Conditions:
Inborn genetic diseases. Identifiers: MedGen C0950123, MeSH D030342.

Submission:

Ambry Genetics
Classification: Uncertain significance for Inborn genetic diseases. Last evaluated: 2022-12-23. Review status: criteria provided, single submitter. Criteria: Ambry Variant Classification Scheme 2023. Collection method: clinical testing. Allele origin: germline.
Comment: The p.E2239Q variant (also known as c.6715G>C), located in coding exon 45 of the LRRK2 gene, results from a G to C substitution at nucleotide position 6715. The glutamic acid at codon 2239 is replaced by glutamine, an amino acid with highly similar properties. This amino acid position is conserved. In addition, this alteration is predicted to be tolerated by in silico analysis. Since supporting evidence is limited at this time, the clinical significance of this alteration remains unclear.

NM_198578.4(LRRK2):c.6715G>C (p.Glu2239Gln)

Gene: LRRK2 (leucine rich repeat kinase 2; plus strand). Cytogenetic location: 12q12.
Variant type: single nucleotide variant.
Coding change: c.6715G>C on transcript NM_198578.4 (MANE Select); coding-DNA position 6715, G replaced by C.
Protein change: p.Glu2239Gln; replaces glutamic acid 2239 with glutamine.
Molecular consequence: missense variant.
Genome position (GRCh38, 1-based): chr12:40,354,437, G>C. VCF-style: chr12-40354437-G-C. GRCh37 (hg19) VCF-style: chr12-40748239-G-C.
Other names: short protein forms E2239Q.
Identifiers: ClinVar variation 2453065 (VCV002453065.2), dbSNP rs200682120, ClinGen allele CA384409430.
Genomic context (GRCh38, chr12:40,354,437, plus strand): 5'-ACACAGTCTGGTACTCTCCTGGTCATCAATACCGAAGATGGGAAAAAGAGACATACCCTA[G>C]AAAAGATGACTGATTCTGTCACTTGTTTGTATTGCAATTCCTTTTCCAAGCAAAGGTATG-3'
Protein context (NP_940980.4, residues 2229-2249): TEDGKKRHTL[Glu2239Gln]KMTDSVTCLY